The following is an entry in ClinVar:

NM_004304.5(ALK):c.3413T>G (p.Met1138Arg)

Gene: ALK (ALK receptor tyrosine kinase; minus strand). Cytogenetic location: 2p23.2.
Variant type: single nucleotide variant.
Coding change: c.3413T>G on transcript NM_004304.5 (MANE Select); coding-DNA position 3413, T replaced by G.
Protein change: p.Met1138Arg; replaces methionine 1138 with arginine.
Molecular consequence: missense variant.
Genome position (GRCh38, 1-based): chr2:29,222,554, A>C on the plus strand (T>G on the coding strand, the complement: ALK is on the minus strand). VCF-style: chr2-29222554-A-C. GRCh37 (hg19) VCF-style: chr2-29445420-A-C.
Other names: c.209T>G, p.Met70Arg (NM_001353765.2); short protein forms M70R, M1138R.
Identifiers: ClinVar variation 3715547 (VCV003715547.2).

ClinVar aggregate classification (germline): Uncertain significance (1 of 4 stars; one submission).

Conditions:
Neuroblastoma, susceptibility to, 3. Also called: ALK-Related Neuroblastic Tumor Susceptibility. Identifiers: Orphanet 635, MedGen C2751681, MONDO:0013083, OMIM 613014.

Submission:

Labcorp Genetics (formerly Invitae), Labcorp
Classification: Uncertain significance for Neuroblastoma, susceptibility to, 3. Last evaluated: 2024-07-09. Review status: criteria provided, single submitter. Criteria: Invitae Variant Classification Sherloc (09022015). Collection method: clinical testing. Allele origin: germline.
Comment: This sequence change replaces methionine, which is neutral and non-polar, with arginine, which is basic and polar, at codon 1138 of the ALK protein (p.Met1138Arg). This variant is not present in population databases (gnomAD no frequency). This variant has not been reported in the literature in individuals affected with ALK-related conditions. An algorithm developed to predict the effect of missense changes on protein structure and function (PolyPhen-2) suggests that this variant is likely to be tolerated. In summary, the available evidence is currently insufficient to determine the role of this variant in disease. Therefore, it has been classified as a Variant of Uncertain Significance.